The following is an entry in ClinVar:

ClinVar aggregate classification (germline): Uncertain significance (1 of 4 stars; one submission).

Conditions:
Developmental and epileptic encephalopathy, 37 (DEE37). Also called: Epileptic encephalopathy, early infantile, 37. Identifiers: MedGen C4310770, MONDO:0014859, OMIM 616981.

Allele frequency attached by ClinVar (database versions not stated): gnomAD exomes 0.00002 and 0.00006; TOPMed 0.00003.
gnomAD v4.1: 7 of 1,346,958 alleles (0.00052%); highest among the groups gnomAD compares: Admixed American, 0.016%; no homozygotes.

Submission:

Labcorp Genetics (formerly Invitae), Labcorp
Classification: Uncertain significance for Developmental and epileptic encephalopathy, 37. Last evaluated: 2024-11-05. Review status: criteria provided, single submitter. Criteria: Invitae Variant Classification Sherloc (09022015). Collection method: clinical testing. Allele origin: germline.
Comment: This sequence change replaces glutamic acid, which is acidic and polar, with lysine, which is basic and polar, at codon 129 of the FRRS1L protein (p.Glu129Lys). This variant is present in population databases (no rsID available, gnomAD 0.03%). This variant has not been reported in the literature in individuals affected with FRRS1L-related conditions. ClinVar contains an entry for this variant (Variation ID: 858868). An algorithm developed to predict the effect of missense changes on protein structure and function (PolyPhen-2) suggests that this variant¬†is likely to be tolerated. In summary, the available evidence is currently insufficient to determine the role of this variant in disease. Therefore, it has been classified as a Variant of Uncertain Significance.

NM_014334.4(FRRS1L):c.232G>A (p.Glu78Lys)

Gene: FRRS1L (ferric chelate reductase 1 like; minus strand). Cytogenetic location: 9q31.3.
Variant type: single nucleotide variant.
Coding change: c.232G>A on transcript NM_014334.4 (MANE Select); coding-DNA position 232, G replaced by A.
Protein change: p.Glu78Lys; replaces glutamic acid 78 with lysine.
Molecular consequence: missense variant.
Genome position (GRCh38, 1-based): chr9:109,166,907, C>T on the plus strand (G>A on the coding strand, the complement: FRRS1L is on the minus strand). VCF-style: chr9-109166907-C-T. GRCh37 (hg19) VCF-style: chr9-111929187-C-T.
Other names: short protein forms E78K.
Identifiers: ClinVar variation 858868 (VCV000858868.6), dbSNP rs925308519, ClinGen allele CA197584911.